The following is an entry in ClinVar:

NM_000089.4(COL1A2):c.3954+8A>G

Gene: COL1A2 (collagen type I alpha 2 chain; plus strand). Cytogenetic location: 7q21.3.
Variant type: single nucleotide variant.
Coding change: c.3954+8A>G on transcript NM_000089.4 (MANE Select); 8 bases into the intron after coding-DNA position 3954, A replaced by G.
Molecular consequence: intron variant.
Genome position (GRCh38, 1-based): chr7:94,429,438, A>G. VCF-style: chr7-94429438-A-G. GRCh37 (hg19) VCF-style: chr7-94058750-A-G.
Identifiers: ClinVar variation 515826 (VCV000515826.14), dbSNP rs747626670, ClinGen allele CA4347883.

ClinVar aggregate classification (germline): Likely benign. Review status: criteria provided, multiple submitters, no conflicts (2 of 4 stars). 3 submissions from 3 submitters: Likely benign (3). Last evaluated 2026-02-16.

Conditions:
Osteogenesis imperfecta type I (OI1). Also called: OI, TYPE I; OSTEOGENESIS IMPERFECTA TARDA; OSTEOGENESIS IMPERFECTA WITH BLUE SCLERAE; Lobstein's Disease; Classic Non-deforming Osteogenesis Imperfecta with Blue Sclerae; Lobstein disease. Identifiers: Orphanet 216796, Orphanet 666, MedGen C0023931, MONDO:0008146, OMIM 166200. Disease mechanism: loss of function.
Ehlers-Danlos syndrome, classic type, 1 (EDSCL1). Also called: Ehlers-Danlos Syndrome, Classic Type, COL5A1-Related; EDS I; Ehlers-Danlos syndrome, type 1; EHLERS-DANLOS SYNDROME, GRAVIS TYPE; EHLERS-DANLOS SYNDROME, SEVERE CLASSIC TYPE. Identifiers: MedGen C0268335, MONDO:0019567, OMIM 130000.

Allele frequency attached by ClinVar (database versions not stated): gnomAD exomes below 0.00001 and 0.00001; ExAC 0.00001; TOPMed 0.00002; gnomAD 0.00001.
gnomAD v4.1: 16 of 1,613,684 alleles (0.00099%); highest among the groups gnomAD compares: Non-Finnish European, 0.0012%; no homozygotes.

Submissions (3):

Women's Health and Genetics/Laboratory Corporation of America, LabCorp
Classification: Likely benign. Last evaluated: 2026-02-16. Review status: criteria provided, single submitter. Criteria: LabCorp Variant Classification Summary - May 2015. Collection method: clinical testing. Allele origin: germline.

Labcorp Genetics (formerly Invitae), Labcorp
Classification: Likely benign for Osteogenesis imperfecta type I; Ehlers-Danlos syndrome, classic type, 1. Last evaluated: 2023-01-01. Review status: criteria provided, single submitter. Criteria: Invitae Variant Classification Sherloc (09022015). Collection method: clinical testing. Allele origin: germline.

GeneDx
Classification: Likely benign. Last evaluated: 2018-03-05. Review status: criteria provided, single submitter. Criteria: GeneDx Variant Classification (06012015). Collection method: clinical testing. Allele origin: germline. Affected: yes.
Comment: This variant is considered likely benign or benign based on one or more of the following criteria: it is a conservative change, it occurs at a poorly conserved position in the protein, it is predicted to be benign by multiple in silico algorithms, and/or has population frequency not consistent with disease.